The following is an entry in ClinVar:

ClinVar aggregate classification (germline): Conflicting classifications of pathogenicity. Review status: criteria provided, conflicting classifications (1 of 4 stars). 3 submissions from 3 submitters: Uncertain significance (1); Likely benign (2). Last evaluated 2025-06-29.

Conditions:
Catecholaminergic polymorphic ventricular tachycardia 1. Also called: RYR2-Related Catecholaminergic Polymorphic Ventricular Tachycardia; VENTRICULAR TACHYCARDIA, CATECHOLAMINERGIC POLYMORPHIC, 1, WITH OR WITHOUT ATRIAL DYSFUNCTION AND/OR DILATED CARDIOMYOPATHY; VENTRICULAR TACHYCARDIA, STRESS-INDUCED POLYMORPHIC 1. Identifiers: Orphanet 3286, MedGen C1631597, MONDO:0011484, OMIM 604772.
Catecholaminergic polymorphic ventricular tachycardia (CVPT). Also called: Catecholamine-induced polymorphic ventricular tachycardia. Identifiers: Orphanet 3286, MedGen C5574922, MONDO:0017990.
Cardiomyopathy (CMYO). Also called: Cardiomyopathies. Identifiers: Orphanet 167848, MedGen C0878544, MONDO:0004994, HP:0001638. Inheritance: Various modes of inheritance.

Allele frequency attached by ClinVar (database versions not stated): gnomAD exomes below 0.00001.
gnomAD v4.1: 1 of 1,610,836 alleles (0.000062%); highest among the groups gnomAD compares: Non-Finnish European, 0.000085%; no homozygotes.

Submissions (3):

Color Diagnostics, LLC DBA Color Health
Classification: Likely benign for Cardiomyopathy. Last evaluated: 2025-06-29. Review status: criteria provided, single submitter. Criteria: ACMG Guidelines, 2015. Collection method: clinical testing. Allele origin: germline.

Labcorp Genetics (formerly Invitae), Labcorp
Classification: Likely benign for Catecholaminergic polymorphic ventricular tachycardia 1. Last evaluated: 2023-10-15. Review status: criteria provided, single submitter. Criteria: Invitae Variant Classification Sherloc (09022015). Collection method: clinical testing. Allele origin: germline.

All of Us Research Program, National Institutes of Health
Classification: Uncertain significance for Catecholaminergic polymorphic ventricular tachycardia. Last evaluated: 2023-03-09. Review status: criteria provided, single submitter. Criteria: ACMG Guidelines, 2015. Collection method: clinical testing. Allele origin: germline. Inheritance: Autosomal dominant inheritance. Observed: 1 variant allele, 1 heterozygote.
Comment: This variant is located in the RYR2 protein. To our knowledge, functional studies have not been reported for this variant. This variant has not been reported in individuals affected with RYR2-related disorders in the literature. This variant has been identified in 1/248962 chromosomes in the general population by the Genome Aggregation Database (gnomAD). The available evidence is insufficient to determine the role of this variant in disease conclusively. Therefore, this variant is classified as a Variant of Uncertain Significance.

This study involves interpretation of variants in research participants for the purpose of population health screening. Participant phenotype was not available at the time of variant classification. Additional details can be found in publication PMID: 35346344, PMCID: PMC8962531

NM_001035.3(RYR2):c.10626A>G (p.Ser3542=)

Gene: RYR2 (ryanodine receptor 2; plus strand). Cytogenetic location: 1q43.
Variant type: single nucleotide variant.
Coding change: c.10626A>G on transcript NM_001035.3 (MANE Select); coding-DNA position 10626, A replaced by G.
Protein change: p.Ser3542=; no amino-acid change (serine 3542 retained).
Molecular consequence: synonymous variant.
Genome position (GRCh38, 1-based): chr1:237,723,199, A>G. VCF-style: chr1-237723199-A-G. GRCh37 (hg19) VCF-style: chr1-237886499-A-G.
Identifiers: ClinVar variation 2891188 (VCV002891188.5), dbSNP rs1429744029, ClinGen allele CA423820357.
Genomic context (GRCh38, chr1:237,723,199, plus strand): 5'-TGCTATTAGATGGCAAATGGCTCTTTACAAAGACTTACCAAACAGGACTGATGATACCTC[A>G]GATCCAGAGAAGACGGTAGAAAGAGTATTGGATATAGCAAATGTGCTTTTTCATCTTGAA-3'
Protein context (NP_001026.2, residues 3532-3552): KDLPNRTDDT[Ser3542=]DPEKTVERVL